The following is an entry in ClinVar:

ClinVar aggregate classification (germline): Uncertain significance (1 of 4 stars; one submission).

Conditions:
Dilated cardiomyopathy 1W (CMD1W). Identifiers: Orphanet 154, MedGen C1969639, MONDO:0012667, OMIM 611407.

Allele frequency attached by ClinVar (database versions not stated): gnomAD exomes below 0.00001.
gnomAD v4.1: 1 of 1,614,222 alleles (0.000062%); highest among the groups gnomAD compares: Non-Finnish European, 0.000085%; no homozygotes.

Submission:

Labcorp Genetics (formerly Invitae), Labcorp
Classification: Uncertain significance for Dilated cardiomyopathy 1W. Last evaluated: 2023-10-29. Review status: criteria provided, single submitter. Criteria: Invitae Variant Classification Sherloc (09022015). Collection method: clinical testing. Allele origin: germline.
Comment: This sequence change replaces serine, which is neutral and polar, with asparagine, which is neutral and polar, at codon 982 of the VCL protein (p.Ser982Asn). This variant is not present in population databases (gnomAD no frequency). This variant has not been reported in the literature in individuals affected with VCL-related conditions. An algorithm developed to predict the effect of missense changes on protein structure and function (PolyPhen-2) suggests that this variant is likely to be tolerated. In summary, the available evidence is currently insufficient to determine the role of this variant in disease. Therefore, it has been classified as a Variant of Uncertain Significance.

NM_014000.3(VCL):c.2945G>A (p.Ser982Asn)

Gene: VCL (vinculin; plus strand). Cytogenetic location: 10q22.2.
Variant type: single nucleotide variant.
Coding change: c.2945G>A on transcript NM_014000.3 (MANE Select); coding-DNA position 2945, G replaced by A.
Protein change: p.Ser982Asn; replaces serine 982 with asparagine.
Molecular consequence: missense variant. On other transcripts: intron variant (1).
Genome position (GRCh38, 1-based): chr10:74,112,108, G>A. VCF-style: chr10-74112108-G-A. GRCh37 (hg19) VCF-style: chr10-75871866-G-A.
Other names: c.2746-2076G>A (NM_003373.4); short protein forms S982N.
Identifiers: ClinVar variation 2772641 (VCV002772641.3), dbSNP rs2549236028, ClinGen allele CA377264940.